The following is an entry in ClinVar:

NM_001447.3(FAT2):c.3067G>A (p.Val1023Met)

Gene: FAT2 (FAT atypical cadherin 2; minus strand). Cytogenetic location: 5q33.1.
Variant type: single nucleotide variant.
Coding change: c.3067G>A on transcript NM_001447.3 (MANE Select); coding-DNA position 3067, G replaced by A.
Protein change: p.Val1023Met; replaces valine 1023 with methionine.
Molecular consequence: missense variant.
Genome position (GRCh38, 1-based): chr5:151,565,865, C>T on the plus strand (G>A on the coding strand, the complement: FAT2 is on the minus strand). VCF-style: chr5-151565865-C-T. GRCh37 (hg19) VCF-style: chr5-150945426-C-T.
Other names: short protein forms V1023M.
Identifiers: ClinVar variation 2098292 (VCV002098292.4), dbSNP rs2480009849, ClinGen allele CA361850719.

ClinVar aggregate classification (germline): Uncertain significance (1 of 4 stars; one submission).

Submission:

Labcorp Genetics (formerly Invitae), Labcorp
Classification: Uncertain significance. Last evaluated: 2022-05-24. Review status: criteria provided, single submitter. Criteria: Invitae Variant Classification Sherloc (09022015). Collection method: clinical testing. Allele origin: germline.
Comment: This sequence change replaces valine, which is neutral and non-polar, with methionine, which is neutral and non-polar, at codon 1023 of the FAT2 protein (p.Val1023Met). This variant is not present in population databases (gnomAD no frequency). This variant has not been reported in the literature in individuals affected with FAT2-related conditions. Algorithms developed to predict the effect of missense changes on protein structure and function are either unavailable or do not agree on the potential impact of this missense change (SIFT: "Deleterious"; PolyPhen-2: "Probably Damaging"; Align-GVGD: "Class C15"). In summary, the available evidence is currently insufficient to determine the role of this variant in disease. Therefore, it has been classified as a Variant of Uncertain Significance.